The following is an entry in ClinVar:

ClinVar aggregate classification (germline): Uncertain significance. Review status: criteria provided, multiple submitters, no conflicts (2 of 4 stars). 4 submissions from 4 submitters: Uncertain significance (4). Last evaluated 2026-01-15.

Conditions:
Bethlem myopathy 1A. Also called: Bethlem Muscular Dystrophy; MYOPATHY, BENIGN CONGENITAL, WITH CONTRACTURES; Bethlem myopathy 1. Identifiers: Orphanet 610, MedGen CN029274, MONDO:0024530, OMIM 158810.

Allele frequency attached by ClinVar (database versions not stated): ExAC 0.00005; gnomAD exomes 0.00006 and 0.00008; gnomAD 0.00013 and 0.00014; TOPMed 0.00015; ESP Exome Variant Server 0.00031.

Submissions (4):

Labcorp Genetics (formerly Invitae), Labcorp
Classification: Uncertain significance for Bethlem myopathy 1A. Last evaluated: 2026-01-15. Review status: criteria provided, single submitter. Criteria: Invitae Variant Classification Sherloc (09022015). Collection method: clinical testing. Allele origin: germline.
Comment: This sequence change replaces glycine, which is neutral and non-polar, with glutamic acid, which is acidic and polar, at codon 2300 of the COL6A3 protein (p.Gly2300Glu). This variant is present in population databases (rs145572916, gnomAD 0.01%). This variant has not been reported in the literature in individuals affected with COL6A3-related conditions. ClinVar contains an entry for this variant (Variation ID: 290529). Invitae Evidence Modeling of protein sequence and biophysical properties (such as structural, functional, and spatial information, amino acid conservation, physicochemical variation, residue mobility, and thermodynamic stability) indicates that this missense variant is expected to disrupt COL6A3 protein function with a positive predictive value of 80%. In summary, the available evidence is currently insufficient to determine the role of this variant in disease. Therefore, it has been classified as a Variant of Uncertain Significance.

GeneDx
Classification: Uncertain significance. Last evaluated: 2025-02-17. Review status: criteria provided, single submitter. Criteria: GeneDx Variant Classification Process June 2021. Collection method: clinical testing. Allele origin: germline. Affected: yes.
Comment: In silico analysis supports that this missense variant has a deleterious effect on protein structure/function; Has not been previously published as pathogenic or benign to our knowledge; This variant is associated with the following publications: (PMID: 30564623)

Revvity Omics, Revvity
Classification: Uncertain significance. Last evaluated: 2021-09-07. Review status: criteria provided, single submitter. Criteria: ACMG Guidelines, 2015. Collection method: clinical testing. Allele origin: germline.

Eurofins Ntd Llc (ga)
Classification: Uncertain significance. Last evaluated: 2016-08-18. Review status: criteria provided, single submitter. Criteria: EGL Classification Definitions 2015. Collection method: clinical testing. Allele origin: germline. Observed: 1 variant allele, 1 heterozygote.

NM_004369.4(COL6A3):c.6899G>A (p.Gly2300Glu)

Gene: COL6A3 (collagen type VI alpha 3 chain; minus strand). Cytogenetic location: 2q37.3.
Variant type: single nucleotide variant.
Coding change: c.6899G>A on transcript NM_004369.4 (MANE Select); coding-DNA position 6899, G replaced by A.
Protein change: p.Gly2300Glu; replaces glycine 2300 with glutamic acid.
Molecular consequence: missense variant.
Genome position (GRCh38, 1-based): chr2:237,348,644, C>T on the plus strand (G>A on the coding strand, the complement: COL6A3 is on the minus strand). VCF-style: chr2-237348644-C-T. GRCh37 (hg19) VCF-style: chr2-238257287-C-T.
Other names: c.5078G>A, p.Gly1693Glu (NM_057166.5); c.6281G>A, p.Gly2094Glu (NM_057167.4); short protein forms G2300E, G1693E, G2094E.
Identifiers: ClinVar variation 290529 (VCV000290529.24), dbSNP rs145572916, ClinGen allele CA2188029.
Genomic context (GRCh38, chr2:237,348,644, plus strand): 5'-CGCTTGGATAATCCTCAGCAGATACGTACTTTTTTGCCTCTGCGTCCTTCACTGCCAACT[C>T]CGTCTCTCCCGTCATCTCCCTAAGAGTGGGAAAGAGATGTGACTGTAGGTCGCCATGCCT-3'
Protein context (NP_004360.2, residues 2290-2310): RGETGDDGRD[Gly2300Glu]VGSEGRRGKK